The following is an entry in ClinVar:

NM_198253.3(TERT):c.2904G>C (p.Arg968Ser)

Gene: TERT (telomerase reverse transcriptase; minus strand). Cytogenetic location: 5p15.33.
Variant type: single nucleotide variant.
Coding change: c.2904G>C on transcript NM_198253.3 (MANE Select); coding-DNA position 2904, G replaced by C.
Protein change: p.Arg968Ser; replaces arginine 968 with serine.
Molecular consequence: missense variant. On other transcripts: non-coding transcript variant (2).
Genome position (GRCh38, 1-based): chr5:1,260,540, C>G on the plus strand (G>C on the coding strand, the complement: TERT is on the minus strand). VCF-style: chr5-1260540-C-G. GRCh37 (hg19) VCF-style: chr5-1260655-C-G.
Other names: c.2715G>C, p.Arg905Ser (NM_001193376.3); c.2904G>C, p.Arg968Ser (NM_003219.1); short protein forms R968S, R905S.
Identifiers: ClinVar variation 2943605 (VCV002943605.4), dbSNP rs2126584578, ClinGen allele CA359070058.
Genomic context (GRCh38, chr5:1,260,540, plus strand): 5'-ATCCAGAAACAGGCTGTGACACTTCAGCCGCAAGACCCCAAAGAGTTTGCGACGCATGTT[C>G]CTCCCAGCCTTGAAGCCGCGGTTGAAGGTGAGACTGGCTCTGATGGAGGTCCGGGCATAG-3'
Protein context (NP_937983.2, residues 958-978): LTFNRGFKAG[Arg968Ser]NMRRKLFGVL

ClinVar aggregate classification (germline): Uncertain significance. Review status: criteria provided, multiple submitters, no conflicts (2 of 4 stars). 2 submissions from 2 submitters: Uncertain significance (2). Last evaluated 2026-05-23.

Conditions:
Dyskeratosis congenita, autosomal dominant 2. Identifiers: MedGen C3151443, MONDO:0013521, OMIM 613989.
Idiopathic Pulmonary Fibrosis. Also called: Idiopathic fibrosing alveolitis, chronic form; idiopathic fibrosing alveolitis. Identifiers: Orphanet 2032, MedGen C1800706, MeSH D054990, MONDO:0800504.
Dyskeratosis congenita. Identifiers: Orphanet 1775, MedGen C0265965, MONDO:0015780.

Submissions (2):

Ambry Genetics
Classification: Uncertain significance for Dyskeratosis congenita. Last evaluated: 2026-05-23. Review status: criteria provided, single submitter. Criteria: Ambry Variant Classification Scheme 2023. Collection method: clinical testing. Allele origin: germline.
Comment: The p.R968S variant (also known as c.2904G>C), located in coding exon 12 of the TERT gene, results from a G to C substitution at nucleotide position 2904. The arginine at codon 968 is replaced by serine, an amino acid with dissimilar properties. This amino acid position is conserved. In addition, this alteration is predicted to be tolerated by in silico analysis. Based on the available evidence, the clinical significance of this variant remains unclear.

Labcorp Genetics (formerly Invitae), Labcorp
Classification: Uncertain significance for Dyskeratosis congenita, autosomal dominant 2; Idiopathic Pulmonary Fibrosis. Last evaluated: 2024-05-15. Review status: criteria provided, single submitter. Criteria: Invitae Variant Classification Sherloc (09022015). Collection method: clinical testing. Allele origin: germline.
Comment: This sequence change replaces arginine, which is basic and polar, with serine, which is neutral and polar, at codon 968 of the TERT protein (p.Arg968Ser). This variant is not present in population databases (gnomAD no frequency). This variant has not been reported in the literature in individuals affected with TERT-related conditions. Advanced modeling of protein sequence and biophysical properties (such as structural, functional, and spatial information, amino acid conservation, physicochemical variation, residue mobility, and thermodynamic stability) performed at Invitae indicates that this missense variant is expected to disrupt TERT protein function with a positive predictive value of 95%. In summary, the available evidence is currently insufficient to determine the role of this variant in disease. Therefore, it has been classified as a Variant of Uncertain Significance.